The following is an entry in ClinVar:

NM_000059.4(BRCA2):c.5812G>A (p.Gly1938Arg)

Gene: BRCA2 (BRCA2 DNA repair associated; plus strand). Cytogenetic location: 13q13.1.
Variant type: single nucleotide variant.
Coding change: c.5812G>A on transcript NM_000059.4 (MANE Select); coding-DNA position 5812, G replaced by A.
Protein change: p.Gly1938Arg; replaces glycine 1938 with arginine.
Molecular consequence: missense variant. On other transcripts: non-coding transcript variant (1), intron variant (2).
Genome position (GRCh38, 1-based): chr13:32,340,167, G>A. VCF-style: chr13-32340167-G-A. GRCh37 (hg19) VCF-style: chr13-32914304-G-A.
Other names: c.5812G>A, p.Gly1938Arg (NM_001406719.1, NM_001406720.1); c.1910-4391G>A (NM_001406721.1); c.425-4391G>A (NM_001406722.1); short protein forms G1938R.
Identifiers: ClinVar variation 3073896 (VCV003073896.1), dbSNP rs764884869, ClinGen allele CA387787255.
Genomic context (GRCh38, chr13:32,340,167, plus strand): 5'-CATAAGGTTTTTGCTGACATTCAGAGTGAAGAAATTTTACAACATAACCAAAATATGTCT[G>A]GATTGGAGAAAGTTTCTAAAATATCACCTTGTGATGTTAGTTTGGAAACTTCAGATATAT-3'
Protein context (NP_000050.3, residues 1928-1948): EILQHNQNMS[Gly1938Arg]LEKVSKISPC

ClinVar aggregate classification (germline): Uncertain significance (1 of 4 stars; one submission).

Conditions:
Breast-ovarian cancer, familial, susceptibility to, 2 (BROVCA2). Also called: BRCA2 Hereditary Breast and Ovarian Cancer. Identifiers: Orphanet 145, MedGen C2675520, MONDO:0012933, OMIM 612555. Disease mechanism: loss of function.

gnomAD v4.1: 1 of 1,613,104 alleles (0.000062%); highest among the groups gnomAD compares: Non-Finnish European, 0.000085%; no homozygotes.

Submission:

All of Us Research Program, National Institutes of Health
Classification: Uncertain significance for Breast-ovarian cancer, familial, susceptibility to, 2. Last evaluated: 2023-11-30. Review status: criteria provided, single submitter. Criteria: ACMG Guidelines, 2015. Collection method: clinical testing. Allele origin: germline. Inheritance: Autosomal dominant inheritance. Observed: 1 variant allele, 1 heterozygote.
Comment: This study involves interpretation of variants in research participants for the purpose of population health screening. Participant phenotype was not available at the time of variant classification. Additional details can be found in publication PMID: 35346344, PMCID: PMC8962531